The following is an entry in ClinVar:

ClinVar aggregate classification (germline): Likely pathogenic (1 of 4 stars; one submission).

Conditions:
Neuromuscular disease caused by qualitative or quantitative defects of dysferlin. Also called: Dysferlinopathy; Qualitative or quantitative defects of dysferlin. Identifiers: Orphanet 207073, MedGen C2931687, MONDO:0016145.

Submission:

Labcorp Genetics (formerly Invitae), Labcorp
Classification: Likely pathogenic for Neuromuscular disease caused by qualitative or quantitative defects of dysferlin. Last evaluated: 2022-11-29. Review status: criteria provided, single submitter. Criteria: Invitae Variant Classification Sherloc (09022015). Collection method: clinical testing. Allele origin: germline.
Comment: ClinVar contains an entry for this variant (Variation ID: 837175). Disruption of this splice site has been observed in individual(s) with limb-girdle muscular dystrophy (PMID: 30919934). This variant is not present in population databases (gnomAD no frequency). This sequence change affects a donor splice site in intron 19 of the DYSF gene. It is expected to disrupt RNA splicing. Variants that disrupt the donor or acceptor splice site typically lead to a loss of protein function (PMID: 16199547), and loss-of-function variants in DYSF are known to be pathogenic (PMID: 17698709, 20301480). In summary, the currently available evidence indicates that the variant is pathogenic, but additional data are needed to prove that conclusively. Therefore, this variant has been classified as Likely Pathogenic. Algorithms developed to predict the effect of sequence changes on RNA splicing suggest that this variant may disrupt the consensus splice site.

Literature cited by the submitters: PubMed 30919934; PubMed 16199547; PubMed 17698709; PubMed 20301480.

NM_001130987.2(DYSF):c.1806+2T>G

Gene: DYSF (dysferlin; plus strand). Cytogenetic location: 2p13.2.
Variant type: single nucleotide variant.
Coding change: c.1806+2T>G on transcript NM_001130987.2 (MANE Select); the canonical splice donor site of the intron after coding-DNA position 1806, T replaced by G.
Molecular consequence: splice donor variant.
Genome position (GRCh38, 1-based): chr2:71,551,722, T>G. VCF-style: chr2-71551722-T-G. GRCh37 (hg19) VCF-style: chr2-71778852-T-G.
Other names: c.1845+2T>G (NM_001130979.2); c.1803+2T>G (NM_001130981.2, NM_001130980.2); c.1752+2T>G (NM_001130978.2, NM_003494.4); c.1710+2T>G (NM_001130977.2, NM_001130976.2); c.1848+2T>G (NM_001130982.2); c.1806+2T>G (NM_001130985.2); c.1755+2T>G (NM_001130983.2, NM_001130455.2); c.1713+2T>G (NM_001130984.2, NM_001130986.2).
Identifiers: ClinVar variation 837175 (VCV000837175.8), dbSNP rs2090962038, ClinGen allele CA347217834.